The following is an entry in ClinVar:

ClinVar aggregate classification (germline): Likely pathogenic (1 of 4 stars; one submission).

Conditions:
Autosomal recessive limb-girdle muscular dystrophy type 2O. Also called: MUSCULAR DYSTROPHY-DYSTROGLYCANOPATHY (LIMB-GIRDLE), TYPE C, 3; MUSCULAR DYSTROPHY-DYSTROGLYCANOPATHY, LIMB-GIRDLE, POMGNT1-RELATED; Limb-Girdle Muscular Dystrophy Type 3C. Identifiers: Orphanet 206564, MedGen C3150417, MONDO:0013161, OMIM 613157.
Muscular dystrophy-dystroglycanopathy (congenital with impaired intellectual development), type B, 3. Also called: Muscular dystrophy-dystroglycanopathy (congenital with intellectual disability), type B3; MUSCULAR DYSTROPHY, CONGENITAL, POMGNT1-RELATED. Identifiers: MedGen C3150412, MONDO:0013155, OMIM 613151.

Submission:

Labcorp Genetics (formerly Invitae), Labcorp
Classification: Likely pathogenic for Limb-girdle muscular dystrophy-dystroglycanopathy, type C3; Congenital muscular dystrophy-dystroglycanopathy with mental retardation, type B3. Last evaluated: 2019-10-14. Review status: criteria provided, single submitter. Criteria: Invitae Variant Classification Sherloc (09022015). Collection method: clinical testing. Allele origin: germline.
Comment: This variant results in the deletion of exon 3 and part of exon 4 in addition to an insertion of three nucleotides (c.121-67_265delinsTAG) in the POMGNT1 gene. It is expected to disrupt RNA splicing and likely results in an absent or disrupted protein product. This variant has not been reported in the literature in individuals with POMGNT1-related conditions. Loss-of-function variants in POMGNT1 are known to be pathogenic (PMID: 19299310, 20816175, 21447391, 26908613, 27391550). In summary, the currently available evidence indicates that the variant is pathogenic, but additional data are needed to prove that conclusively. Therefore, this variant has been classified as Likely Pathogenic.

NM_017739.4(POMGNT1):c.121-67_265del

Gene: POMGNT1 (protein O-linked mannose N-acetylglucosaminyltransferase 1 (beta 1,2-); minus strand). Cytogenetic location: 1p34.1.
Variant type: Deletion.
Coding change: c.121-67_265del on transcript NM_017739.4 (MANE Select); 67 bases into the intron before coding-DNA position 121 through coding-DNA position 265, 332 bases deleted.
Molecular consequence: splice acceptor variant, splice donor variant.
Genome position (GRCh38, 1-based): chr1:46,196,820-46,197,151, 332 bases deleted. GRCh37 (hg19): chr1:46,662,493-46,662,824.
Other names: c.121-67_265del (NM_001243766.2, NM_001438686.1, NM_001438688.1 and 3 more transcripts); c.55-67_199del (NM_001290129.3, NM_001438691.1, NM_001438692.1); c.-305-71_-165del (NM_001290130.2).
Identifiers: ClinVar variation 963060 (VCV000963060.1), dbSNP rs1658278935, ClinGen allele CA1139656122.